The following is an entry in ClinVar:

NM_001276345.2(TNNT2):c.482G>T (p.Arg161Leu)

Gene: TNNT2 (troponin T2, cardiac type; minus strand). Cytogenetic location: 1q32.1.
Variant type: single nucleotide variant.
Coding change: c.482G>T on transcript NM_001276345.2 (MANE Select); coding-DNA position 482, G replaced by T.
Protein change: p.Arg161Leu; replaces arginine 161 with leucine.
Molecular consequence: missense variant.
Genome position (GRCh38, 1-based): chr1:201,364,305, C>A on the plus strand (G>T on the coding strand, the complement: TNNT2 is on the minus strand). VCF-style: chr1-201364305-C-A. GRCh37 (hg19) VCF-style: chr1-201333433-C-A.
Other names: c.482G>T, p.Arg161Leu (NM_000364.4, NM_001406723.1); c.452G>T, p.Arg151Leu (NM_001001430.3, NM_001001431.3, NM_001276347.2 and 3 more transcripts); c.437G>T, p.Arg146Leu (NM_001001432.3, NM_001406728.1); c.362G>T, p.Arg121Leu (NM_001276346.2); c.449G>T, p.Arg150Leu (NM_001406725.1); short protein forms R121L, R150L, R146L, R151L, R161L.
Identifiers: ClinVar variation 1741271 (VCV001741271.2), dbSNP rs201048783, ClinGen allele CA344205582.
Genomic context (GRCh38, chr1:201,364,305, plus strand): 5'-CAGGAGCTGGGAGCATGGGGGGCCTCCATGGGCCTGGGCTAGGGGTCACTCACAGCCAGG[C>A]GGTTCTGCCGCTCCTTCTCCCGCTCATTCCGGATGCGCTGCTGCTCGGCCCGCTCTGCCC-3'
Protein context (NP_001263274.1, residues 151-171): RNEREKERQN[Arg161Leu]LAEERARREE

ClinVar aggregate classification (germline): Uncertain significance (1 of 4 stars; one submission).

Conditions:
Cardiovascular phenotype. Identifiers: MedGen CN230736.

Submission:

Ambry Genetics
Classification: Uncertain significance for Cardiovascular phenotype. Last evaluated: 2020-05-26. Review status: criteria provided, single submitter. Criteria: Ambry Variant Classification Scheme 2023. Collection method: clinical testing. Allele origin: germline.
Comment: The p.R151L variant (also known as c.452G>T), located in coding exon 9 of the TNNT2 gene, results from a G to T substitution at nucleotide position 452. The arginine at codon 151 is replaced by leucine, an amino acid with dissimilar properties. This amino acid position is well conserved in available vertebrate species. In addition, the in silico prediction for this alteration is inconclusive. Since supporting evidence is limited at this time, the clinical significance of this alteration remains unclear.